The following is an entry in ClinVar:

NM_001018115.3(FANCD2):c.2965C>G (p.Pro989Ala)

Genes: FANCD2 (FA complementation group D2; plus strand), LOC107303338 (3p25 FANCD2 Alu-mediated recombination region; plus strand). Cytogenetic location: 3p25.3.
Variant type: single nucleotide variant.
Coding change: c.2965C>G on transcript NM_001018115.3 (MANE Select); coding-DNA position 2965, C replaced by G.
Protein change: p.Pro989Ala; replaces proline 989 with alanine.
Molecular consequence: missense variant.
Genome position (GRCh38, 1-based): chr3:10,078,186, C>G. VCF-style: chr3-10078186-C-G. GRCh37 (hg19) VCF-style: chr3-10119870-C-G.
Other names: c.2965C>G (NM_001018115.2); c.2965C>G, p.Pro989Ala (NM_001319984.2, NM_001374254.1, NM_033084.6); c.2854C>G, p.Pro952Ala (NM_001374253.1); short protein forms P989A, P952A.
Identifiers: ClinVar variation 134320 (VCV000134320.21), dbSNP rs200568638, ClinGen allele CA159473.

ClinVar aggregate classification (germline): Uncertain significance. Review status: criteria provided, multiple submitters, no conflicts (2 of 4 stars). 8 submissions from 8 submitters: Uncertain significance (7). 1 of the submissions does not count toward it. Last evaluated 2026-01-18.

Conditions:
FANCD2-related disorder. Also called: FANCD2-related condition.
Fanconi anemia (FA). Also called: Fanconi's anemia. Identifiers: Orphanet 84, MedGen C0015625, MeSH D005199, MONDO:0019391.
Fanconi anemia complementation group D2. Also called: FANCONI PANCYTOPENIA, TYPE 4; FANCONI ANEMIA, COMPLEMENTATION GROUP D; FANCD2-Related Fanconi Anemia. Identifiers: Orphanet 84, MedGen C3160738, MONDO:0009214, OMIM 227646.

Allele frequency attached by ClinVar (database versions not stated): gnomAD 0.00003 and 0.00005; TOPMed 0.00006; gnomAD exomes 0.00007 and 0.00016; ExAC 0.00015; ESP Exome Variant Server 0.00015.
gnomAD v4.1: 115 of 1,604,526 alleles (0.0072%); highest among the groups gnomAD compares: Middle Eastern, 0.066%; no homozygotes.

Submissions (8):

Labcorp Genetics (formerly Invitae), Labcorp
Classification: Uncertain significance for Fanconi anemia. Last evaluated: 2026-01-18. Review status: criteria provided, single submitter. Criteria: Invitae Variant Classification Sherloc (09022015). Collection method: clinical testing. Allele origin: germline.
Comment: This sequence change replaces proline, which is neutral and non-polar, with alanine, which is neutral and non-polar, at codon 989 of the FANCD2 protein (p.Pro989Ala). This variant is present in population databases (rs200568638, gnomAD 0.05%). This variant has not been reported in the literature in individuals affected with FANCD2-related conditions. ClinVar contains an entry for this variant (Variation ID: 134320). Invitae Evidence Modeling of protein sequence and biophysical properties (such as structural, functional, and spatial information, amino acid conservation, physicochemical variation, residue mobility, and thermodynamic stability) has been performed for this missense variant. However, the output from this modeling did not meet the statistical confidence thresholds required to predict the impact of this variant on FANCD2 protein function. In summary, the available evidence is currently insufficient to determine the role of this variant in disease. Therefore, it has been classified as a Variant of Uncertain Significance.

Blueprint Genetics
Classification: Uncertain significance. Last evaluated: 2024-10-08. Review status: criteria provided, single submitter. Criteria: ACMG Guidelines, 2015. Collection method: clinical testing. Allele origin: germline.

Fulgent Genetics
Classification: Uncertain significance for Fanconi anemia complementation group D2. Last evaluated: 2024-01-17. Review status: criteria provided, single submitter. Criteria: ACMG Guidelines, 2015. Collection method: clinical testing. Allele origin: germline.

PreventionGenetics, part of Exact Sciences
Classification: Uncertain significance for FANCD2-related condition. Last evaluated: 2023-07-05. Review status: criteria provided, single submitter. Criteria: ACMG Guidelines, 2015. Collection method: clinical testing. Allele origin: germline.
Comment: The FANCD2 c.2965C>G variant is predicted to result in the amino acid substitution p.Pro989Ala. To our knowledge, this variant has not been reported in the literature in individuals with FANCD2-related disorders. This variant is reported in 0.046% of alleles in individuals of South Asian descent in gnomAD. At this time, the clinical significance of this variant is uncertain due to the absence of conclusive functional and genetic evidence.

Institute for Clinical Genetics, University Hospital TU Dresden, University Hospital TU Dresden
Classification: Uncertain significance. Last evaluated: 2021-11-03. Review status: criteria provided, single submitter. Criteria: ACMG Guidelines, 2015. Collection method: clinical testing. Allele origin: germline.

Dubai Health Genomic Medicine Center, Dubai Health
Classification: Uncertain significance. Last evaluated: 2020-11-22. Review status: criteria provided, single submitter. Criteria: ACMG Guidelines, 2015. Collection method: clinical testing. Allele origin: germline. Affected: yes.

Illumina Laboratory Services, Illumina
Classification: Uncertain significance for Fanconi anemia complementation group D2. Last evaluated: 2018-01-13. Review status: criteria provided, single submitter. Criteria: ICSL Variant Classification Criteria 13 December 2019. Collection method: clinical testing. Allele origin: germline.

ITMI
No classification provided. Condition: AllHighlyPenetrant. Last evaluated: 2013-09-19. Review status: no classification provided. Collection method: reference population. Allele origin: germline. Not counted in ClinVar's aggregate classification.
Comment: Please see associated publication for description of ethnicities

Literature cited by the submitters: PubMed 24728327 (cited by ITMI).